The following is an entry in ClinVar:

ClinVar aggregate classification (germline): Uncertain significance (1 of 4 stars; one submission).

Submission:

Labcorp Genetics (formerly Invitae), Labcorp
Classification: Uncertain significance. Last evaluated: 2025-07-30. Review status: criteria provided, single submitter. Criteria: Invitae Variant Classification Sherloc (09022015). Collection method: clinical testing. Allele origin: germline.
Comment: This variant, c.472_474dup, results in the insertion of 1 amino acid(s) of the LAT protein (p.Ile158dup), but otherwise preserves the integrity of the reading frame. This variant is present in population databases (rs774515405, gnomAD 0.003%). This variant has not been reported in the literature in individuals affected with LAT-related conditions. In summary, the available evidence is currently insufficient to determine the role of this variant in disease. Therefore, it has been classified as a Variant of Uncertain Significance.

NM_001014987.2(LAT):c.472_474dup (p.Ile158_Arg159insIle)

Gene: LAT (linker for activation of T cells; plus strand). Cytogenetic location: 16p11.2.
Variant type: Duplication.
Coding change: c.472_474dup on transcript NM_001014987.2 (MANE Select); coding-DNA positions 472 to 474, 3 bases duplicated (ATC; older notation c.472_474dupATC).
Protein change: p.Ile158_Arg159insIle.
Molecular consequence: inframe insertion.
Genome position (GRCh38, 1-based): chr16:28,986,872-28,986,874, ATC duplicated; duplicating any 3 consecutive bases within chr16:28,986,871-28,986,874 gives the same sequence; the c. name uses the placement nearest the transcript's 3' end. VCF-style (leftmost placement, unchanged base first): chr16-28986870-G-GCAT. GRCh37 (hg19) VCF-style: chr16-28998191-G-GCAT.
Other names: c.469_471dup, p.Ile157_Arg158insIle (NM_001014988.2); c.580_582dup, p.Ile194_Arg195insIle (NM_001014989.2); c.559_561dup, p.Ile187_Arg188insIle (NM_014387.4).
Identifiers: ClinVar variation 4699872 (VCV004699872.1).